The following is an entry in ClinVar:

ClinVar aggregate classification (germline): Pathogenic/Likely pathogenic. Review status: criteria provided, multiple submitters, no conflicts (2 of 4 stars). 3 submissions from 3 submitters: Pathogenic (2); Likely pathogenic (1). Last evaluated 2024-12-30.

Conditions:
Dyslexia, susceptibility to, 1. Also called: READING DISABILITY, SPECIFIC, 1; WORD-BLINDNESS, CONGENITAL. Identifiers: MedGen C1851967, MONDO:0007487, OMIM 127700.
Primary ciliary dyskinesia 25 (CILD25). Also called: CILIARY DYSKINESIA, PRIMARY, 25, WITH OR WITHOUT SITUS INVERSUS. Identifiers: Orphanet 244, MedGen C3809641, MONDO:0014203, OMIM 615482.

Submissions (3):

Dasa
Classification: Pathogenic. Last evaluated: 2024-12-30. Review status: criteria provided, single submitter. Criteria: DASA Assertion Criteria. Collection method: clinical testing. Allele origin: germline.
Comment: NM_130810.4(DNAAF4):c.862_866del (p.Lys288Profs*7) is a frameshift variant in DNAAF4 predicted to alter the reading frame and introduce a premature termination codon and is predicted to result in an absent or altered protein product. Loss of function is an established disease mechanism for DNAAF4-associated disorders. Also, this variant is rare in population databases. Based on the currently available evidence, this variant is classified as pathogenic.

Labcorp Genetics (formerly Invitae), Labcorp
Classification: Pathogenic. Last evaluated: 2024-05-13. Review status: criteria provided, single submitter. Criteria: Invitae Variant Classification Sherloc (09022015). Collection method: clinical testing. Allele origin: germline.
Comment: This sequence change creates a premature translational stop signal (p.Lys288Profs*7) in the DNAAF4 gene. It is expected to result in an absent or disrupted protein product. Loss-of-function variants in DNAAF4 are known to be pathogenic (PMID: 23872636). This variant is not present in population databases (gnomAD no frequency). This premature translational stop signal has been observed in individual(s) with primary ciliary dyskinesia (PMID: 31213628). For these reasons, this variant has been classified as Pathogenic.

Juno Genomics, Hangzhou Juno Genomics, Inc
Classification: Likely pathogenic for Dyslexia, susceptibility to, 1; Primary ciliary dyskinesia 25. Review status: criteria provided, single submitter. Criteria: ACMG Guidelines, 2015. Collection method: clinical testing. Allele origin: germline.
Comment: Absent from controls (or at extremely low frequency if recessive) in Genome Aggregation Database.;Null variant in a gene where loss of function (LOF) is a known mechanism of disease.

Literature cited by the submitters: PubMed 23872636 (cited by Labcorp Genetics (formerly Invitae), Labcorp); PubMed 31213628 (cited by Labcorp Genetics (formerly Invitae), Labcorp).

NM_130810.4(DNAAF4):c.862_866del (p.Lys288fs)

Genes: DNAAF4 (dynein axonemal assembly factor 4; minus strand), DNAAF4-CCPG1 (DNAAF4-CCPG1 readthrough (NMD candidate); minus strand). Cytogenetic location: 15q21.3.
Variant type: Microsatellite.
Coding change: c.862_866del on transcript NM_130810.4 (MANE Select); coding-DNA positions 862 to 866, 5 bases deleted (AAGAA; older notation c.862_866delAAGAA).
Protein change: p.Lys288fs; shifts the reading frame from lysine 288.
Molecular consequence: frameshift variant. On other transcripts: non-coding transcript variant (1).
Genome position (GRCh38, 1-based): chr15:55,439,499-55,439,503, TTCTT deleted on the plus strand (AAGAA on the coding strand, the reverse complement: DNAAF4 is on the minus strand); deleting any 5 consecutive bases within chr15:55,439,499-55,439,508 gives the same sequence; the c. name uses the placement nearest the transcript's 3' end. VCF-style (leftmost placement, unchanged base first): chr15-55439498-GTTCTT-G. GRCh37 (hg19) VCF-style: chr15-55731696-GTTCTT-G.
Other names: c.862_866del, p.Lys288fs (NM_001033559.3, NM_001033560.2); short protein forms K288fs.
Identifiers: ClinVar variation 3718369 (VCV003718369.6).